The following is an entry in ClinVar:

NM_032444.4(SLX4):c.2684A>G (p.Gln895Arg)

Gene: SLX4 (SLX4 structure-specific endonuclease subunit; minus strand). Cytogenetic location: 16p13.3.
Variant type: single nucleotide variant.
Coding change: c.2684A>G on transcript NM_032444.4 (MANE Select); coding-DNA position 2684, A replaced by G.
Protein change: p.Gln895Arg; replaces glutamine 895 with arginine.
Molecular consequence: missense variant.
Genome position (GRCh38, 1-based): chr16:3,590,954, T>C on the plus strand (A>G on the coding strand, the complement: SLX4 is on the minus strand). VCF-style: chr16-3590954-T-C. GRCh37 (hg19) VCF-style: chr16-3640955-T-C.
Other names: short protein forms Q895R.
Identifiers: ClinVar variation 1407705 (VCV001407705.8), dbSNP rs779708181, ClinGen allele CA7866099.

ClinVar aggregate classification (germline): Uncertain significance (1 of 4 stars; one submission).

Conditions:
Fanconi anemia (FA). Also called: Fanconi's anemia. Identifiers: Orphanet 84, MedGen C0015625, MeSH D005199, MONDO:0019391.

Allele frequency attached by ClinVar (database versions not stated): ExAC 0.00001; gnomAD exomes 0.00001 and 0.00003; TOPMed 0.00001.
gnomAD v4.1: 39 of 1,614,192 alleles (0.0024%); highest among the groups gnomAD compares: Non-Finnish European, 0.0033%; no homozygotes.

Submission:

Labcorp Genetics (formerly Invitae), Labcorp
Classification: Uncertain significance for Fanconi anemia. Last evaluated: 2023-03-30. Review status: criteria provided, single submitter. Criteria: Invitae Variant Classification Sherloc (09022015). Collection method: clinical testing. Allele origin: germline.
Comment: An algorithm developed to predict the effect of missense changes on protein structure and function (PolyPhen-2) suggests that this variant is likely to be disruptive. In summary, the available evidence is currently insufficient to determine the role of this variant in disease. Therefore, it has been classified as a Variant of Uncertain Significance. ClinVar contains an entry for this variant (Variation ID: 1407705). This variant has not been reported in the literature in individuals affected with SLX4-related conditions. This variant is present in population databases (rs779708181, gnomAD 0.002%). This sequence change replaces glutamine, which is neutral and polar, with arginine, which is basic and polar, at codon 895 of the SLX4 protein (p.Gln895Arg).